The following is an entry in ClinVar:

NM_000260.4(MYO7A):c.5300C>A (p.Ser1767Ter)

Gene: MYO7A (myosin VIIA; plus strand). Cytogenetic location: 11q13.5.
Variant type: single nucleotide variant.
Coding change: c.5300C>A on transcript NM_000260.4 (MANE Select); coding-DNA position 5300, C replaced by A.
Protein change: p.Ser1767Ter; replaces serine 1767 with a stop codon.
Molecular consequence: nonsense.
Genome position (GRCh38, 1-based): chr11:77,203,191, C>A. VCF-style: chr11-77203191-C-A. GRCh37 (hg19) VCF-style: chr11-76914236-C-A.
Other names: c.5186C>A, p.Ser1729Ter (NM_001127180.2); c.5153C>A, p.Ser1718Ter (NM_001369365.1); c.5300C>A (NM_000260.3); short protein forms S1718*, S1729*, S1767*.
Identifiers: ClinVar variation 1070443 (VCV001070443.9), dbSNP rs757896867, ClinGen allele CA381952422.

ClinVar aggregate classification (germline): Pathogenic/Likely pathogenic. Review status: criteria provided, multiple submitters, no conflicts (2 of 4 stars). 2 submissions from 2 submitters: Pathogenic (1); Likely pathogenic (1). Last evaluated 2025-05-11.

Conditions:
Usher syndrome type 1B (USH1B). Also called: Usher syndrome type IB. Identifiers: MedGen C1848638, MONDO:0700087.

Submissions (2):

Natera, Inc.
Classification: Likely pathogenic for Usher syndrome type 1B. Last evaluated: 2025-05-11. Review status: criteria provided, single submitter. Criteria: Natera Variant Classification Schema (03/2026). Collection method: clinical testing. Allele origin: germline.
Comment: The c.5300C>A variant in MYO7A is a nonsense variant predicted to introduce a stop codon at amino acid 1767. This variant is expected to result in nonsense mediated decay, truncation, or a dysfunctional protein product. This variant is rare in the general population with a frequency below the threshold expected for the associated phenotype(s). Given the available evidence, this variant is classified as Likely Pathogenic.

Labcorp Genetics (formerly Invitae), Labcorp
Classification: Pathogenic. Last evaluated: 2020-05-30. Review status: criteria provided, single submitter. Criteria: Invitae Variant Classification Sherloc (09022015). Collection method: clinical testing. Allele origin: germline.
Comment: This sequence change creates a premature translational stop signal (p.Ser1767*) in the MYO7A gene. It is expected to result in an absent or disrupted protein product. This variant is not present in population databases (ExAC no frequency). For these reasons, this variant has been classified as Pathogenic. Loss-of-function variants in MYO7A are known to be pathogenic (PMID: 8900236, 25404053). This variant has not been reported in the literature in individuals with MYO7A-related conditions.

Literature cited by the submitters: PubMed 8900236 (cited by Labcorp Genetics (formerly Invitae), Labcorp); PubMed 25404053 (cited by Labcorp Genetics (formerly Invitae), Labcorp).